The following is an entry in ClinVar:

NM_194454.3(KRIT1):c.397dup (p.Tyr133fs)

Gene: KRIT1 (KRIT1 ankyrin repeat containing; minus strand). Cytogenetic location: 7q21.2.
Variant type: Duplication.
Coding change: c.397dup on transcript NM_194454.3 (MANE Select); coding-DNA position 397, one base duplicated (T; older notation c.397dupT).
Protein change: p.Tyr133fs; shifts the reading frame from tyrosine 133.
Molecular consequence: frameshift variant. On other transcripts: 5 prime UTR variant (1).
Genome position (GRCh38, 1-based): chr7:92,236,501, A duplicated on the plus strand (T on the coding strand, the reverse complement: KRIT1 is on the minus strand); the first of 6 consecutive A bases (chr7:92,236,501-92,236,506); duplicating any one gives the same sequence. VCF-style (leftmost placement, unchanged base first): chr7-92236500-T-TA. GRCh37 (hg19) VCF-style: chr7-91865814-T-TA.
Other names: c.397dup, p.Tyr133fs (NM_001013406.2, NM_001350669.1, NM_001350670.1 and 29 more transcripts); c.-187dup (NM_001350671.1); c.397dupT (NM_194456.1); short protein forms Y133fs.
Identifiers: ClinVar variation 451998 (VCV000451998.6), dbSNP rs757560062, ClinGen allele CA4339387.
Genomic context (GRCh38, chr7:92,236,500, plus strand): 5'-GTAAGTGTAGCAAAATGAGTACTGGATTCACTACAGACTCGCATAATATCTTGTAAGCAG[T>TA]AAAAAATTGGGCATCCTGGGGTATATGTGTATTTAGTATTATCTGAAAAAGAAAAATGAA-3'

ClinVar aggregate classification (germline): Pathogenic. Review status: criteria provided, multiple submitters, no conflicts (2 of 4 stars). 3 submissions from 3 submitters: Pathogenic (3). Last evaluated 2025-05-27.

Conditions:
Cerebral cavernous malformation (CCM). Also called: CAVERNOUS ANGIOMA, FAMILIAL; CAVERNOUS ANGIOMATOUS MALFORMATIONS; CEREBRAL CAPILLARY MALFORMATIONS; Cavernous Hemangioma of Brain; Cerebral cavernous malformations; Cerebral cavernous hemangioma (type). Identifiers: Orphanet 221061, MedGen C2919945, MONDO:0000820, OMIM 116860, HP:0033522.

Submissions (3):

Department of Paediatrics at Addenbrookes, Cambridge University Hospitals NHS Foundation Trust (UK)
Classification: Pathogenic for Cerebral cavernous malformation. Last evaluated: 2025-05-27. Review status: criteria provided, single submitter. Criteria: Durkie Uk Practice Guidelines For Variant Classification V12 2024 (1). Collection method: clinical testing. Allele origin: unknown.
Comment: PVS1_VeryStrong; PM2_Moderate

Labcorp Genetics (formerly Invitae), Labcorp
Classification: Pathogenic for Cerebral cavernous malformation. Last evaluated: 2023-09-11. Review status: criteria provided, single submitter. Criteria: Invitae Variant Classification Sherloc (09022015). Collection method: clinical testing. Allele origin: germline.
Comment: For these reasons, this variant has been classified as Pathogenic. ClinVar contains an entry for this variant (Variation ID: 451998). This variant has not been reported in the literature in individuals affected with KRIT1-related conditions. The frequency data for this variant in the population databases is considered unreliable, as metrics indicate poor data quality at this position in the gnomAD database. This sequence change creates a premature translational stop signal (p.Tyr133Leufs*11) in the KRIT1 gene. It is expected to result in an absent or disrupted protein product. Loss-of-function variants in KRIT1 are known to be pathogenic (PMID: 10508515, 11222804, 12404106, 24689081).

GeneDx
Classification: Pathogenic. Last evaluated: 2017-09-06. Review status: criteria provided, single submitter. Criteria: GeneDx Variant Classification (06012015). Collection method: clinical testing. Allele origin: germline. Affected: yes.
Comment: The c.397dupT pathogenic variant in the KRIT1 gene causes a frameshift starting with codon Tyrosine 133, changes this amino acid to a Leucine residue and creates a premature Stop codon at position 11 of the new reading frame, denoted p.Tyr133LeufsX11. This pathogenic variant is predicted to cause loss of normal protein function either through protein truncation or nonsense-mediated mRNA decay. The c.397dupT variant is not observed at a significant frequency in large population cohorts (Lek et al., 2016; 1000 Genomes Consortium et al., 2015; Exome Variant Server). Although this variant has not been previously reported to our knowledge, we consider this a pathogenic variant.

Literature cited by the submitters: PubMed 10508515 (cited by Labcorp Genetics (formerly Invitae), Labcorp); PubMed 11222804 (cited by Labcorp Genetics (formerly Invitae), Labcorp); PubMed 12404106 (cited by Labcorp Genetics (formerly Invitae), Labcorp); PubMed 24689081 (cited by Labcorp Genetics (formerly Invitae), Labcorp).